The following is an entry in ClinVar:

NM_018082.6(POLR3B):c.2527A>G (p.Ser843Gly)

Gene: POLR3B (RNA polymerase III subunit B; plus strand). Cytogenetic location: 12q23.3.
Variant type: single nucleotide variant.
Coding change: c.2527A>G on transcript NM_018082.6 (MANE Select); coding-DNA position 2527, A replaced by G.
Protein change: p.Ser843Gly; replaces serine 843 with glycine.
Molecular consequence: missense variant.
Genome position (GRCh38, 1-based): chr12:106,459,325, A>G. VCF-style: chr12-106459325-A-G. GRCh37 (hg19) VCF-style: chr12-106853103-A-G.
Other names: c.2353A>G, p.Ser785Gly (NM_001160708.2); short protein forms S785G, S843G.
Identifiers: ClinVar variation 3615277 (VCV003615277.2).
Genomic context (GRCh38, chr12:106,459,325, plus strand): 5'-AACAAACAAGTGCTTGTAAATAAGTCCATGCCCACAGTGACTCAGATTCCTTTGGAAGGA[A>G]GTAATGTACCACAGCAACCACAGTACAAAGATGTACCCATAACGTATGTATTGGTTGTGC-3'
Protein context (NP_060552.4, residues 833-853): PTVTQIPLEG[Ser843Gly]NVPQQPQYKD

ClinVar aggregate classification (germline): Uncertain significance (1 of 4 stars; one submission).

Submission:

Labcorp Genetics (formerly Invitae), Labcorp
Classification: Uncertain significance. Last evaluated: 2024-12-15. Review status: criteria provided, single submitter. Criteria: Invitae Variant Classification Sherloc (09022015). Collection method: clinical testing. Allele origin: germline.
Comment: This sequence change replaces serine, which is neutral and polar, with glycine, which is neutral and non-polar, at codon 843 of the POLR3B protein (p.Ser843Gly). This variant is not present in population databases (gnomAD no frequency). This variant has not been reported in the literature in individuals affected with POLR3B-related conditions. An algorithm developed to predict the effect of missense changes on protein structure and function (PolyPhen-2) suggests that this variant is likely to be tolerated. Algorithms developed to predict the effect of sequence changes on RNA splicing suggest that this variant may disrupt the consensus splice site. In summary, the available evidence is currently insufficient to determine the role of this variant in disease. Therefore, it has been classified as a Variant of Uncertain Significance.